The following is an entry in ClinVar:

ClinVar aggregate classification (germline): Pathogenic (1 of 4 stars; one submission).

Submission:

Labcorp Genetics (formerly Invitae), Labcorp
Classification: Pathogenic. Last evaluated: 2023-10-04. Review status: criteria provided, single submitter. Criteria: Invitae Variant Classification Sherloc (09022015). Collection method: clinical testing. Allele origin: germline.
Comment: This sequence change creates a premature translational stop signal (p.Thr1413Tyrfs*22) in the NBAS gene. It is expected to result in an absent or disrupted protein product. Loss-of-function variants in NBAS are known to be pathogenic (PMID: 26073778, 26541327, 27789416, 28031453). This variant is not present in population databases (gnomAD no frequency). This variant has not been reported in the literature in individuals affected with NBAS-related conditions. For these reasons, this variant has been classified as Pathogenic.

Literature cited by the submitters: PubMed 26073778; PubMed 26541327; PubMed 27789416; PubMed 28031453.

NM_015909.4(NBAS):c.4236dup (p.Thr1413fs)

Gene: NBAS (NBAS subunit of NRZ tethering complex; minus strand). Cytogenetic location: 2p24.3.
Variant type: Duplication.
Coding change: c.4236dup on transcript NM_015909.4 (MANE Select); coding-DNA position 4236, one base duplicated (T; older notation c.4236dupT).
Protein change: p.Thr1413fs; shifts the reading frame from threonine 1413.
Molecular consequence: frameshift variant. On other transcripts: non-coding transcript variant (1).
Genome position (GRCh38, 1-based): chr2:15,330,709, A duplicated on the plus strand (T on the coding strand, the reverse complement: NBAS is on the minus strand). VCF-style (leftmost placement, unchanged base first): chr2-15330708-T-TA. GRCh37 (hg19) VCF-style: chr2-15470832-T-TA.
Other names: short protein forms T1413fs.
Identifiers: ClinVar variation 2709611 (VCV002709611.3), dbSNP rs2528426718, ClinGen allele CA2697547825.